The following is an entry in ClinVar:

NM_000038.6(APC):c.1677_1683del (p.Ser559fs)

Gene: APC (APC regulator of Wnt signaling pathway; plus strand). Cytogenetic location: 5q22.2.
Variant type: Deletion.
Coding change: c.1677_1683del on transcript NM_000038.6 (MANE Select); coding-DNA positions 1677 to 1683, 7 bases deleted (TAAAAAG; older notation c.1677_1683delTAAAAAG).
Protein change: p.Ser559fs; shifts the reading frame from serine 559.
Molecular consequence: frameshift variant.
Genome position (GRCh38, 1-based): chr5:112,828,906-112,828,912, TAAAAAG deleted; deleting any 7 consecutive bases within chr5:112,828,904-112,828,912 gives the same sequence; the c. name uses the placement nearest the transcript's 3' end. VCF-style (leftmost placement, unchanged base first): chr5-112828903-TAGTAAAA-T. GRCh37 (hg19) VCF-style: chr5-112164600-TAGTAAAA-T.
Other names: c.1677_1683del, p.Ser559fs (NM_001127510.3, NM_001354895.2, NM_001407450.1); c.1623_1629del, p.Ser541fs (NM_001127511.3); c.1731_1737del, p.Ser577fs (NM_001354896.2, NM_001407447.1, NM_001407448.1 and 1 more transcripts); c.1707_1713del, p.Ser569fs (NM_001354897.2); c.1602_1608del, p.Ser534fs (NM_001354898.2); c.1593_1599del, p.Ser531fs (NM_001354899.2); c.1554_1560del, p.Ser518fs (NM_001354900.2); c.1500_1506del, p.Ser500fs (NM_001354901.2, NM_001407453.1); and 11 more; short protein forms S175fs, S276fs, S399fs, S430fs, S433fs, S458fs, S468fs, S476fs.
Identifiers: ClinVar variation 2583941 (VCV002583941.2), dbSNP rs2533243489, ClinGen allele CA2582341393.

ClinVar aggregate classification (germline): Pathogenic (1 of 4 stars; one submission).

Conditions:
Familial adenomatous polyposis 1 (FAP1). Also called: FAMILIAL ADENOMATOUS POLYPOSIS 1, ATTENUATED; POLYPOSIS, ADENOMATOUS INTESTINAL. Identifiers: MedGen C2713442, MONDO:0021056, OMIM 175100. Disease mechanism: loss of function.

Submission:

Myriad Genetics, Inc.
Classification: Pathogenic for Familial adenomatous polyposis 1. Last evaluated: 2023-05-02. Review status: criteria provided, single submitter. Criteria: Myriad Autosomal Dominant, Autosomal Recessive and X-Linked Classification Criteria (2023). Collection method: clinical testing. Allele origin: unknown.
Comment: This variant is considered pathogenic. This variant creates a frameshift predicted to result in premature protein truncation.